The following is an entry in ClinVar:

ClinVar aggregate classification (germline): Uncertain significance (1 of 4 stars; one submission).

Conditions:
Kabuki syndrome. Also called: Kabuki make-up syndrome; NIIKAWA-KUROKI SYNDROME. Identifiers: Orphanet 2322, MedGen C0796004, MONDO:0016512.

Allele frequency attached by ClinVar (database versions not stated): gnomAD exomes below 0.00001; gnomAD 0.00001.

Submission:

Labcorp Genetics (formerly Invitae), Labcorp
Classification: Uncertain significance for Kabuki syndrome. Last evaluated: 2023-06-21. Review status: criteria provided, single submitter. Criteria: Invitae Variant Classification Sherloc (09022015). Collection method: clinical testing. Allele origin: germline.
Comment: This sequence change replaces glutamic acid, which is acidic and polar, with lysine, which is basic and polar, at codon 384 of the KMT2D protein (p.Glu384Lys). This variant is not present in population databases (gnomAD no frequency). This variant has not been reported in the literature in individuals affected with KMT2D-related conditions. Advanced modeling of protein sequence and biophysical properties (such as structural, functional, and spatial information, amino acid conservation, physicochemical variation, residue mobility, and thermodynamic stability) performed at Invitae indicates that this missense variant is not expected to disrupt KMT2D protein function. In summary, the available evidence is currently insufficient to determine the role of this variant in disease. Therefore, it has been classified as a Variant of Uncertain Significance.

NM_003482.4(KMT2D):c.1150G>A (p.Glu384Lys)

Gene: KMT2D (lysine methyltransferase 2D; minus strand). Cytogenetic location: 12q13.12.
Variant type: single nucleotide variant.
Coding change: c.1150G>A on transcript NM_003482.4 (MANE Select); coding-DNA position 1150, G replaced by A.
Protein change: p.Glu384Lys; replaces glutamic acid 384 with lysine.
Molecular consequence: missense variant.
Genome position (GRCh38, 1-based): chr12:49,052,672, C>T on the plus strand (G>A on the coding strand, the complement: KMT2D is on the minus strand). VCF-style: chr12-49052672-C-T. GRCh37 (hg19) VCF-style: chr12-49446455-C-T.
Other names: short protein forms E384K.
Identifiers: ClinVar variation 2892669 (VCV002892669.3), dbSNP rs1938147180, ClinGen allele CA384677015.